The following is an entry in ClinVar:

ClinVar aggregate classification (germline): Uncertain significance (1 of 4 stars; one submission).

Submission:

Labcorp Genetics (formerly Invitae), Labcorp
Classification: Uncertain significance. Last evaluated: 2025-08-29. Review status: criteria provided, single submitter. Criteria: Invitae Variant Classification Sherloc (09022015). Collection method: clinical testing. Allele origin: germline.
Comment: This sequence change replaces asparagine, which is neutral and polar, with serine, which is neutral and polar, at codon 684 of the FBN3 protein (p.Asn684Ser). This variant is not present in population databases (gnomAD no frequency). This variant has not been reported in the literature in individuals affected with FBN3-related conditions. ClinVar contains an entry for this variant (Variation ID: 3686314). Invitae Evidence Modeling of protein sequence and biophysical properties (such as structural, functional, and spatial information, amino acid conservation, physicochemical variation, residue mobility, and thermodynamic stability) indicates that this missense variant is expected to disrupt FBN3 protein function with a positive predictive value of 80%. In summary, the available evidence is currently insufficient to determine the role of this variant in disease. Therefore, it has been classified as a Variant of Uncertain Significance.

NM_032447.5(FBN3):c.2051A>G (p.Asn684Ser)

Gene: FBN3 (fibrillin 3; minus strand). Cytogenetic location: 19p13.2.
Variant type: single nucleotide variant.
Coding change: c.2051A>G on transcript NM_032447.5 (MANE Select); coding-DNA position 2051, A replaced by G.
Protein change: p.Asn684Ser; replaces asparagine 684 with serine.
Molecular consequence: missense variant.
Genome position (GRCh38, 1-based): chr19:8,129,359, T>C on the plus strand (A>G on the coding strand, the complement: FBN3 is on the minus strand). VCF-style: chr19-8129359-T-C. GRCh37 (hg19) VCF-style: chr19-8194243-T-C.
Other names: c.2051A>G, p.Asn684Ser (NM_001321431.2); short protein forms N684S.
Identifiers: ClinVar variation 3686314 (VCV003686314.2).